The following is an entry in ClinVar:

NM_058216.3(RAD51C):c.1107A>T (p.Ser369=)

Gene: RAD51C (RAD51 paralog C; plus strand). Cytogenetic location: 17q22.
Variant type: single nucleotide variant.
Coding change: c.1107A>T on transcript NM_058216.3 (MANE Select); coding-DNA position 1107, A replaced by T.
Protein change: p.Ser369=; no amino-acid change (serine 369 retained).
Molecular consequence: synonymous variant. On other transcripts: non-coding transcript variant (1).
Genome position (GRCh38, 1-based): chr17:58,734,198, A>T. VCF-style: chr17-58734198-A-T. GRCh37 (hg19) VCF-style: chr17-56811559-A-T.
Identifiers: ClinVar variation 3904120 (VCV003904120.1).

ClinVar aggregate classification (germline): Benign (1 of 4 stars; one submission).

Conditions:
Breast-ovarian cancer, familial, susceptibility to, 3. Also called: RAD51C-Related Breast/Ovarian Cancer. Identifiers: Orphanet 145, MedGen C3150659, MONDO:0013253, OMIM 613399.

Submission:

Myriad Genetics, Inc.
Classification: Benign for Breast-ovarian cancer, familial, susceptibility to, 3. Last evaluated: 2025-02-19. Review status: criteria provided, single submitter. Criteria: Myriad Autosomal Dominant, Autosomal Recessive and X-Linked Classification Criteria (2023). Collection method: clinical testing. Allele origin: unknown.
Comment: This variant is considered benign. This variant is a silent/synonymous amino acid change and it is not expected to impact splicing.